The following is an entry in ClinVar:

NM_004655.4(AXIN2):c.2030A>T (p.His677Leu)

Gene: AXIN2 (axin 2; minus strand). Cytogenetic location: 17q24.1.
Variant type: single nucleotide variant.
Coding change: c.2030A>T on transcript NM_004655.4 (MANE Select); coding-DNA position 2030, A replaced by T.
Protein change: p.His677Leu; replaces histidine 677 with leucine.
Molecular consequence: missense variant.
Genome position (GRCh38, 1-based): chr17:65,536,431, T>A on the plus strand (A>T on the coding strand, the complement: AXIN2 is on the minus strand). VCF-style: chr17-65536431-T-A. GRCh37 (hg19) VCF-style: chr17-63532549-T-A.
Other names: c.1835A>T, p.His612Leu (NM_001363813.1); short protein forms H612L, H677L.
Identifiers: ClinVar variation 1721501 (VCV001721501.5), dbSNP rs1555577107, ClinGen allele CA400676128.

ClinVar aggregate classification (germline): Uncertain significance (1 of 4 stars; one submission).

Conditions:
Oligodontia-cancer predisposition syndrome. Also called: TOOTH AGENESIS-COLORECTAL CANCER SYNDROME. Identifiers: Orphanet 300576, MedGen C1837750, MONDO:0012075, OMIM 608615. Disease mechanism: loss of function.

Submission:

Labcorp Genetics (formerly Invitae), Labcorp
Classification: Uncertain significance for Oligodontia-cancer predisposition syndrome. Last evaluated: 2022-10-13. Review status: criteria provided, single submitter. Criteria: Invitae Variant Classification Sherloc (09022015). Collection method: clinical testing. Allele origin: germline.
Comment: This sequence change replaces histidine, which is basic and polar, with leucine, which is neutral and non-polar, at codon 677 of the AXIN2 protein (p.His677Leu). In summary, the available evidence is currently insufficient to determine the role of this variant in disease. Therefore, it has been classified as a Variant of Uncertain Significance. Advanced modeling of protein sequence and biophysical properties (such as structural, functional, and spatial information, amino acid conservation, physicochemical variation, residue mobility, and thermodynamic stability) performed at Invitae indicates that this missense variant is expected to disrupt AXIN2 protein function. This variant has not been reported in the literature in individuals affected with AXIN2-related conditions. This variant is not present in population databases (gnomAD no frequency).